The following is an entry in ClinVar:

ClinVar aggregate classification (germline): Likely benign (1 of 4 stars; one submission).

gnomAD v4.1: 2 of 1,613,926 alleles (0.00012%); highest among the groups gnomAD compares: Admixed American, 0.0017%; no homozygotes.

Submission:

CeGaT Center for Human Genetics Tuebingen
Classification: Likely benign. Last evaluated: 2026-03-01. Review status: criteria provided, single submitter. Criteria: CeGaT Center For Human Genetics Tuebingen Variant Classification Criteria Version 2. Collection method: clinical testing. Allele origin: germline. Affected: yes. Observed: 1 variant allele.
Comment: ELN: BP4, BP7

NM_000501.4(ELN):c.891C>A (p.Gly297=)

Gene: ELN (elastin; plus strand). Cytogenetic location: 7q11.23.
Variant type: single nucleotide variant.
Coding change: c.891C>A on transcript NM_000501.4 (MANE Select); coding-DNA position 891, C replaced by A.
Protein change: p.Gly297=; no amino-acid change (glycine 297 retained).
Molecular consequence: synonymous variant.
Genome position (GRCh38, 1-based): chr7:74,051,925, C>A. VCF-style: chr7-74051925-C-A. GRCh37 (hg19) VCF-style: chr7-73466255-C-A.
Other names: c.861C>A, p.Gly287= (NM_001081752.3, NM_001278917.2); c.906C>A, p.Gly302= (NM_001081753.3, NM_001081754.3); c.891C>A, p.Gly297= (NM_001081755.3, NM_001278912.2, NM_001278915.2 and 1 more transcripts); c.783C>A, p.Gly261= (NM_001278913.2); c.876C>A, p.Gly292= (NM_001278914.2); c.849C>A, p.Gly283= (NM_001278916.2); c.759C>A, p.Gly253= (NM_001278918.2).
Identifiers: ClinVar variation 4823648 (VCV004823648.4).